The following is an entry in ClinVar:

NM_013339.4(ALG6):c.301_317del (p.Arg101fs)

Gene: ALG6 (ALG6 alpha-1,3-glucosyltransferase; plus strand). Cytogenetic location: 1p31.3.
Variant type: Deletion.
Coding change: c.301_317del on transcript NM_013339.4 (MANE Select); coding-DNA positions 301 to 317, 17 bases deleted (CGTGGATATGAGAGTCA).
Protein change: p.Arg101fs; shifts the reading frame from arginine 101.
Molecular consequence: frameshift variant.
Genome position (GRCh38, 1-based): chr1:63,404,496-63,404,512, CGTGGATATGAGAGTCA deleted; deleting any 17 consecutive bases within chr1:63,404,493-63,404,512 gives the same sequence; the c. name uses the placement nearest the transcript's 3' end. VCF-style (leftmost placement, unchanged base first): chr1-63404492-ATCACGTGGATATGAGAG-A. GRCh37 (hg19) VCF-style: chr1-63870163-ATCACGTGGATATGAGAG-A.
Other names: short protein forms R101fs.
Identifiers: ClinVar variation 5014286 (VCV005014286.1).

ClinVar aggregate classification (germline): Pathogenic (1 of 4 stars; one submission).

Conditions:
ALG6-congenital disorder of glycosylation 1C (CDG1C). Also called: CDG Ic; CARBOHYDRATE-DEFICIENT GLYCOPROTEIN SYNDROME, TYPE I, WITH DEFICIENT GLYCOSYLATION OF DOLICHOL-LINKED OLIGOSACCHARIDE; CARBOHYDRATE-DEFICIENT GLYCOPROTEIN SYNDROME, TYPE V; Congenital disorder of glycosylation type 1C; Congenital disorder of glycosylation, type Ic. Identifiers: Orphanet 79320, MedGen C2930997, MONDO:0011291, OMIM 603147.

Submission:

Myriad Genetics, Inc.
Classification: Pathogenic for ALG6-congenital disorder of glycosylation 1C. Last evaluated: 2025-04-01. Review status: criteria provided, single submitter. Criteria: Myriad Autosomal Dominant, Autosomal Recessive and X-Linked Classification Criteria (2023). Collection method: clinical testing. Allele origin: unknown.
Comment: NM_013339.3(ALG6):c.301_317del17(R101Gfs*3) is expected to be pathogenic in the context of congenital disorder of glycosylation, ALG6-related. This variant is predicted to lead to an abnormal or absent protein product due to the creation of a premature termination codon in ALG6, a gene where loss-of-function variants are known to be pathogenic. Please note: this variant was assessed in the context of healthy population screening.